The following is an entry in ClinVar:

NM_004859.4(CLTC):c.3941T>C (p.Met1314Thr)

Gene: CLTC (clathrin heavy chain; plus strand). Cytogenetic location: 17q23.1.
Variant type: single nucleotide variant.
Coding change: c.3941T>C on transcript NM_004859.4 (MANE Select); coding-DNA position 3941, T replaced by C.
Protein change: p.Met1314Thr; replaces methionine 1314 with threonine.
Molecular consequence: missense variant.
Genome position (GRCh38, 1-based): chr17:59,683,162, T>C. VCF-style: chr17-59683162-T-C. GRCh37 (hg19) VCF-style: chr17-57760523-T-C.
Other names: c.3953T>C, p.Met1318Thr (NM_001288653.2); short protein forms M1318T, M1314T.
Identifiers: ClinVar variation 3651948 (VCV003651948.2).

ClinVar aggregate classification (germline): Uncertain significance (1 of 4 stars; one submission).

Submission:

Labcorp Genetics (formerly Invitae), Labcorp
Classification: Uncertain significance. Last evaluated: 2024-05-02. Review status: criteria provided, single submitter. Criteria: Invitae Variant Classification Sherloc (09022015). Collection method: clinical testing. Allele origin: germline.
Comment: This sequence change replaces methionine, which is neutral and non-polar, with threonine, which is neutral and polar, at codon 1318 of the CLTC protein (p.Met1318Thr). This variant is not present in population databases (gnomAD no frequency). This variant has not been reported in the literature in individuals affected with CLTC-related conditions. Advanced modeling of protein sequence and biophysical properties (such as structural, functional, and spatial information, amino acid conservation, physicochemical variation, residue mobility, and thermodynamic stability) performed at Invitae indicates that this missense variant is not expected to disrupt CLTC protein function with a negative predictive value of 80%. In summary, the available evidence is currently insufficient to determine the role of this variant in disease. Therefore, it has been classified as a Variant of Uncertain Significance.